The following is an entry in ClinVar:

ClinVar aggregate classification (germline): Conflicting classifications of pathogenicity. Review status: criteria provided, conflicting classifications (1 of 4 stars). 2 submissions from 2 submitters: Uncertain significance (1); Likely benign (1). Last evaluated 2024-11-11.

Allele frequency attached by ClinVar (database versions not stated): gnomAD 0.00002; gnomAD exomes 0.00002 and 0.00007; ExAC 0.00005; ESP Exome Variant Server 0.00008.

Submissions (2):

Labcorp Genetics (formerly Invitae), Labcorp
Classification: Likely benign. Last evaluated: 2024-11-11. Review status: criteria provided, single submitter. Criteria: Invitae Variant Classification Sherloc (09022015). Collection method: clinical testing. Allele origin: germline.

GeneDx
Classification: Uncertain significance. Last evaluated: 2022-01-04. Review status: criteria provided, single submitter. Criteria: GeneDx Variant Classification Process June 2021. Collection method: clinical testing. Allele origin: germline. Affected: yes.
Comment: In silico analysis supports that this missense variant has a deleterious effect on protein structure/function; Has not been previously published as pathogenic or benign to our knowledge

NM_006946.4(SPTBN2):c.5399C>T (p.Ala1800Val)

Gene: SPTBN2 (spectrin beta, non-erythrocytic 2; minus strand). Cytogenetic location: 11q13.2.
Variant type: single nucleotide variant.
Coding change: c.5399C>T on transcript NM_006946.4 (MANE Select); coding-DNA position 5399, C replaced by T.
Protein change: p.Ala1800Val; replaces alanine 1800 with valine.
Molecular consequence: missense variant.
Genome position (GRCh38, 1-based): chr11:66,691,450, G>A on the plus strand (C>T on the coding strand, the complement: SPTBN2 is on the minus strand). VCF-style: chr11-66691450-G-A. GRCh37 (hg19) VCF-style: chr11-66458921-G-A.
Other names: short protein forms A1800V.
Identifiers: ClinVar variation 1695561 (VCV001695561.7), dbSNP rs367960697, ClinGen allele CA6128281.
Genomic context (GRCh38, chr11:66,691,450, plus strand): 5'-TTGTGCTGCACCCGCGCCAGGGCTTGGCGTGCCCCGTGCAGGAAGCGCTGCAGCTCGTAC[G>A]CCGCGGCCAGCACCTGACCCCGTGTGTCCAGCAGCTCAAGCAGGTCAGCCCAGGCCTCGT-3'
Protein context (NP_008877.2, residues 1790-1810): LDTRGQVLAA[Ala1800Val]YELQRFLHGA